The following is an entry in ClinVar:

ClinVar aggregate classification (germline): Uncertain significance (1 of 4 stars; one submission).

Allele frequency attached by ClinVar (database versions not stated): gnomAD exomes below 0.00001.
gnomAD v4.1: 4 of 1,614,204 alleles (0.00025%); highest among the groups gnomAD compares: South Asian, 0.0011%; no homozygotes.

Submission:

Labcorp Genetics (formerly Invitae), Labcorp
Classification: Uncertain significance. Last evaluated: 2022-03-19. Review status: criteria provided, single submitter. Criteria: Invitae Variant Classification Sherloc (09022015). Collection method: clinical testing. Allele origin: germline.
Comment: This sequence change replaces glutamic acid, which is acidic and polar, with aspartic acid, which is acidic and polar, at codon 306 of the ASAH1 protein (p.Glu306Asp). This variant is present in population databases (no rsID available, gnomAD 0.003%). This variant has not been reported in the literature in individuals affected with ASAH1-related conditions. Algorithms developed to predict the effect of missense changes on protein structure and function (SIFT, PolyPhen-2, Align-GVGD) all suggest that this variant is likely to be tolerated. In summary, the available evidence is currently insufficient to determine the role of this variant in disease. Therefore, it has been classified as a Variant of Uncertain Significance.

NM_177924.5(ASAH1):c.918A>T (p.Glu306Asp)

Gene: ASAH1 (N-acylsphingosine amidohydrolase 1; minus strand). Cytogenetic location: 8p22.
Variant type: single nucleotide variant.
Coding change: c.918A>T on transcript NM_177924.5 (MANE Select); coding-DNA position 918, A replaced by T.
Protein change: p.Glu306Asp; replaces glutamic acid 306 with aspartic acid.
Molecular consequence: missense variant.
Genome position (GRCh38, 1-based): chr8:18,059,464, T>A on the plus strand (A>T on the coding strand, the complement: ASAH1 is on the minus strand). VCF-style: chr8-18059464-T-A. GRCh37 (hg19) VCF-style: chr8-17916973-T-A.
Other names: c.900A>T, p.Glu300Asp (NM_001127505.3); c.723A>T, p.Glu241Asp (NM_001363743.2); c.966A>T, p.Glu322Asp (NM_004315.6); short protein forms E300D, E241D, E306D, E322D.
Identifiers: ClinVar variation 1348403 (VCV001348403.5), dbSNP rs1258417179, ClinGen allele CA370427677.